The following is an entry in ClinVar:

ClinVar aggregate classification (germline): Uncertain significance (1 of 4 stars; one submission).

Conditions:
2-aminoadipic 2-oxoadipic aciduria (AAKAD). Also called: Aminoadipic aciduria; ALPHA-AMINOADIPIC AND ALPHA-KETOADIPIC ACIDURIA. Identifiers: Orphanet 79154, MedGen C1859817, MONDO:0008774, OMIM 204750.

Allele frequency attached by ClinVar (database versions not stated): gnomAD 0.00001.

Submission:

Labcorp Genetics (formerly Invitae), Labcorp
Classification: Uncertain significance for 2-aminoadipic 2-oxoadipic aciduria. Last evaluated: 2022-10-19. Review status: criteria provided, single submitter. Criteria: Invitae Variant Classification Sherloc (09022015). Collection method: clinical testing. Allele origin: germline.
Comment: In summary, the available evidence is currently insufficient to determine the role of this variant in disease. Therefore, it has been classified as a Variant of Uncertain Significance. Algorithms developed to predict the effect of missense changes on protein structure and function output the following: SIFT: "Tolerated"; PolyPhen-2: "Benign"; Align-GVGD: "Class C0". The isoleucine amino acid residue is found in multiple mammalian species, which suggests that this missense change does not adversely affect protein function. This variant has not been reported in the literature in individuals affected with DHTKD1-related conditions. This variant is present in population databases (no rsID available, gnomAD 0.06%). This sequence change replaces valine, which is neutral and non-polar, with isoleucine, which is neutral and non-polar, at codon 875 of the DHTKD1 protein (p.Val875Ile).

NM_018706.7(DHTKD1):c.2623G>A (p.Val875Ile)

Gene: DHTKD1 (dehydrogenase E1 and transketolase domain containing 1; plus strand). Cytogenetic location: 10p14.
Variant type: single nucleotide variant.
Coding change: c.2623G>A on transcript NM_018706.7 (MANE Select); coding-DNA position 2623, G replaced by A.
Protein change: p.Val875Ile; replaces valine 875 with isoleucine.
Molecular consequence: missense variant.
Genome position (GRCh38, 1-based): chr10:12,120,232, G>A. VCF-style: chr10-12120232-G-A. GRCh37 (hg19) VCF-style: chr10-12162231-G-A.
Other names: short protein forms V875I.
Identifiers: ClinVar variation 1721864 (VCV001721864.6), dbSNP rs1453197081, ClinGen allele CA376017089.
Genomic context (GRCh38, chr10:12,120,232, plus strand): 5'-TCTCTCATAGATCATATTTGGAGTCAGGAGGAACCTCAGAACATGGGTCCGTGGTCGTTT[G>A]TTTCTCCAAGGTTTGAAAAGCAGCTGGCCTGCAAGGTAATCACACGTTTTCTCTGGTAGT-3'
Protein context (NP_061176.4, residues 865-885): EPQNMGPWSF[Val875Ile]SPRFEKQLAC